The following is an entry in ClinVar:

ClinVar aggregate classification (germline): Uncertain significance (1 of 4 stars; one submission).

gnomAD v4.1: 2 of 1,612,874 alleles (0.00012%); highest among the groups gnomAD compares: Non-Finnish European, 0.00017%; no homozygotes.

Submission:

Labcorp Genetics (formerly Invitae), Labcorp
Classification: Uncertain significance. Last evaluated: 2023-05-28. Review status: criteria provided, single submitter. Criteria: Invitae Variant Classification Sherloc (09022015). Collection method: clinical testing. Allele origin: germline.
Comment: In summary, the available evidence is currently insufficient to determine the role of this variant in disease. Therefore, it has been classified as a Variant of Uncertain Significance. Variants that disrupt the consensus splice site are a relatively common cause of aberrant splicing (PMID: 17576681, 9536098). Algorithms developed to predict the effect of sequence changes on RNA splicing suggest that this variant is not likely to affect RNA splicing. This variant has not been reported in the literature in individuals affected with CACNA2D4-related conditions. This variant is not present in population databases (gnomAD no frequency). This sequence change affects codon 907 of the CACNA2D4 mRNA. It is a 'silent' change, meaning that it does not change the encoded amino acid sequence of the CACNA2D4 protein. This variant also falls at the last nucleotide of exon 29, which is part of the consensus splice site for this exon.

Literature cited by the submitters: PubMed 17576681; PubMed 9536098.

NM_172364.5(CACNA2D4):c.2721G>A (p.Glu907=)

Gene: CACNA2D4 (calcium voltage-gated channel auxiliary subunit alpha2delta 4; minus strand). Cytogenetic location: 12p13.33.
Variant type: single nucleotide variant.
Coding change: c.2721G>A on transcript NM_172364.5 (MANE Select); coding-DNA position 2721, G replaced by A.
Protein change: p.Glu907=; no amino-acid change (glutamic acid 907 retained).
Molecular consequence: synonymous variant.
Genome position (GRCh38, 1-based): chr12:1,810,278, C>T on the plus strand (G>A on the coding strand, the complement: CACNA2D4 is on the minus strand). VCF-style: chr12-1810278-C-T. GRCh37 (hg19) VCF-style: chr12-1919444-C-T.
Identifiers: ClinVar variation 2745112 (VCV002745112.3), dbSNP rs1239119179, ClinGen allele CA477860037.
Genomic context (GRCh38, chr12:1,810,278, plus strand): 5'-CCAATGTCTCCAGTCCTCCTGCCGCCCTCTCCCCCTCATTCTATATCCCCAGTGACTCAC[C>T]TCTCGGGACCTCTTGGAGATCAGAATGAACCCGTTGTTGTCGATGACGAAGCAGTCCAGA-3'
Protein context (NP_758952.4, residues 897-917): GFILISKRSR[Glu907=]TGRFLGEVDG